The following is an entry in ClinVar:

NM_000939.4(POMC):c.12G>T (p.Ser4=)

Gene: POMC (proopiomelanocortin; minus strand). Cytogenetic location: 2p23.3.
Variant type: single nucleotide variant.
Coding change: c.12G>T on transcript NM_000939.4 (MANE Select); coding-DNA position 12, G replaced by T.
Protein change: p.Ser4=; no amino-acid change (serine 4 retained).
Molecular consequence: synonymous variant.
Genome position (GRCh38, 1-based): chr2:25,164,761, C>A on the plus strand (G>T on the coding strand, the complement: POMC is on the minus strand). VCF-style: chr2-25164761-C-A. GRCh37 (hg19) VCF-style: chr2-25387630-C-A.
Other names: c.12G>T, p.Ser4= (NM_001035256.3, NM_001319204.2, NM_001319205.2).
Identifiers: ClinVar variation 3059858 (VCV003059858.4), dbSNP rs773178150, ClinGen allele CA425180781.

ClinVar aggregate classification (germline): Likely benign. Review status: criteria provided, single submitter (1 of 4 stars). 2 submissions from 2 submitters: Likely benign (1). 1 of the submissions does not count toward it. Last evaluated 2024-11-29.

Conditions:
POMC-related disorder. Also called: POMC-related disorders; POMC-related condition.

gnomAD v4.1: 11 of 1,613,788 alleles (0.00068%); highest among the groups gnomAD compares: African/African-American, 0.0093%; no homozygotes.

Submissions (2):

Labcorp Genetics (formerly Invitae), Labcorp
Classification: Likely benign. Last evaluated: 2024-11-29. Review status: criteria provided, single submitter. Criteria: Invitae Variant Classification Sherloc (09022015). Collection method: clinical testing. Allele origin: germline.

PreventionGenetics, part of Exact Sciences
Classification: Likely benign for POMC-related condition. Last evaluated: 2021-11-17. Review status: no assertion criteria provided. Collection method: clinical testing. Allele origin: germline. Not counted in ClinVar's aggregate classification.
Comment: This variant is classified as likely benign based on ACMG/AMP sequence variant interpretation guidelines (Richards et al. 2015 PMID: 25741868, with internal and published modifications).